The following is an entry in ClinVar:

ClinVar aggregate classification (germline): Likely benign. Review status: criteria provided, multiple submitters, no conflicts (2 of 4 stars). 2 submissions from 2 submitters: Likely benign (2). Last evaluated 2023-01-26.

Allele frequency attached by ClinVar (database versions not stated): gnomAD exomes below 0.00001.
gnomAD v4.1: 1 of 1,613,990 alleles (0.000062%); highest among the groups gnomAD compares: South Asian, 0.0011%; no homozygotes.

Submissions (2):

Labcorp Genetics (formerly Invitae), Labcorp
Classification: Likely benign. Last evaluated: 2023-01-26. Review status: criteria provided, single submitter. Criteria: Invitae Variant Classification Sherloc (09022015). Collection method: clinical testing. Allele origin: germline.

CeGaT Center for Human Genetics Tuebingen
Classification: Likely benign. Last evaluated: 2022-04-01. Review status: criteria provided, single submitter. Criteria: CeGaT Center For Human Genetics Tuebingen Variant Classification Criteria Version 2. Collection method: clinical testing. Allele origin: germline. Affected: yes. Observed: 1 variant allele.
Comment: XPC: PM2:Supporting, BP4, BP7

NM_004628.5(XPC):c.216A>G (p.Lys72=)

Gene: XPC (XPC complex subunit, DNA damage recognition and repair factor; minus strand). Cytogenetic location: 3p25.1.
Variant type: single nucleotide variant.
Coding change: c.216A>G on transcript NM_004628.5 (MANE Select); coding-DNA position 216, A replaced by G.
Protein change: p.Lys72=; no amino-acid change (lysine 72 retained).
Molecular consequence: synonymous variant. On other transcripts: 5 prime UTR variant (1), non-coding transcript variant (2).
Genome position (GRCh38, 1-based): chr3:14,172,950, T>C on the plus strand (A>G on the coding strand, the complement: XPC is on the minus strand). VCF-style: chr3-14172950-T-C. GRCh37 (hg19) VCF-style: chr3-14214450-T-C.
Other names: c.-240A>G (NM_001354726.2); c.216A>G, p.Lys72= (NM_001354727.2, NM_001354730.2); c.198A>G, p.Lys66= (NM_001354729.2).
Identifiers: ClinVar variation 1628705 (VCV001628705.31), dbSNP rs2125046003, ClinGen allele CA432579383.